The following is an entry in ClinVar:

ClinVar aggregate classification (germline): Benign/Likely benign. Review status: criteria provided, multiple submitters, no conflicts (2 of 4 stars). 6 submissions from 5 submitters: Benign (4); Likely benign (2). Last evaluated 2026-04-15.

Conditions:
Basal cell nevus syndrome 1 (BCNS1). Also called: GORLIN-GOLTZ SYNDROME; MULTIPLE BASAL CELL NEVI, ODONTOGENIC KERATOCYSTS, AND SKELETAL ANOMALIES. Identifiers: MedGen CN376810, MONDO:0958174, OMIM 109400.
Basal cell carcinoma, susceptibility to, 1. Also called: BCC1. Identifiers: MedGen C2751544, MONDO:0011556, OMIM 605462.
Gorlin syndrome. Also called: Nevoid Basal Cell Carcinoma Syndrome; Basal cell nevus syndrome. Identifiers: Orphanet 377, MedGen C0004779, MONDO:0007187.
PTCH2-related disorder. Also called: PTCH2-related condition; PTCH2-related disease.

Allele frequency attached by ClinVar (database versions not stated): TOPMed 0.01360; 1000 Genomes Project 30x 0.01562; gnomAD exomes 0.00298; ExAC 0.00354; gnomAD 0.01206 and 0.01288; ESP Exome Variant Server 0.01223; 1000 Genomes Project 0.01318.
gnomAD v4.1: 3,532 of 1,612,526 alleles (0.22%); highest among the groups gnomAD compares: African/African-American, 4.1%; 75 homozygotes.

Submissions (6):

PreventionGenetics, part of Exact Sciences
Classification: Benign for PTCH2-related condition. Last evaluated: 2026-04-15. Review status: criteria provided, single submitter. Criteria: ACMG Guidelines, 2015. Collection method: clinical testing. Allele origin: germline.
Comment: This variant is classified as benign based on ACMG/AMP sequence variant interpretation guidelines (Richards et al. 2015 PMID: 25741868, with internal and published modifications).

Labcorp Genetics (formerly Invitae), Labcorp
Classification: Benign for Gorlin syndrome. Last evaluated: 2026-01-19. Review status: criteria provided, single submitter. Criteria: Invitae Variant Classification Sherloc (09022015). Collection method: clinical testing. Allele origin: germline.

KCCC/NGS Laboratory, Kuwait Cancer Control Center
Classification: Benign for Basal cell nevus syndrome 1. Last evaluated: 2025-02-01. Review status: criteria provided, single submitter. Criteria: ACMG Guidelines, 2015. Collection method: clinical testing. Allele origin: germline. Affected: no.

KCCC/NGS Laboratory, Kuwait Cancer Control Center
Classification: Benign for Basal cell carcinoma, susceptibility to, 1. Last evaluated: 2023-07-07. Review status: criteria provided, single submitter. Criteria: ACMG Guidelines, 2015. Collection method: clinical testing. Allele origin: germline. Affected: yes.

GeneDx
Classification: Likely benign. Last evaluated: 2021-04-15. Review status: criteria provided, single submitter. Criteria: GeneDx Variant Classification Process June 2021. Collection method: clinical testing. Allele origin: germline. Affected: yes.

Breakthrough Genomics
Classification: Likely benign. Review status: criteria provided, single submitter. Criteria: ACMG Guidelines, 2015. Collection method: not provided. Allele origin: germline. Inheritance: Autosomal dominant inheritance. Affected: yes.

NM_003738.5(PTCH2):c.687C>T (p.Ala229=)

Gene: PTCH2 (patched 2; minus strand). Cytogenetic location: 1p34.1.
Variant type: single nucleotide variant.
Coding change: c.687C>T on transcript NM_003738.5 (MANE Select); coding-DNA position 687, C replaced by T.
Protein change: p.Ala229=; no amino-acid change (alanine 229 retained).
Molecular consequence: synonymous variant.
Genome position (GRCh38, 1-based): chr1:44,830,974, G>A on the plus strand (C>T on the coding strand, the complement: PTCH2 is on the minus strand). VCF-style: chr1-44830974-G-A. GRCh37 (hg19) VCF-style: chr1-45296646-G-A.
Other names: c.687C>T, p.Ala229= (NM_001166292.2).
Identifiers: ClinVar variation 415460 (VCV000415460.17), dbSNP rs11573576, ClinGen allele CA823552.